The following is an entry in ClinVar:

NM_001167.4(XIAP):c.430G>A (p.Gly144Arg)

Gene: XIAP (X-linked inhibitor of apoptosis; plus strand). Cytogenetic location: Xq25.
Variant type: single nucleotide variant.
Coding change: c.430G>A on transcript NM_001167.4 (MANE Select); coding-DNA position 430, G replaced by A.
Protein change: p.Gly144Arg; replaces glycine 144 with arginine.
Molecular consequence: missense variant.
Genome position (GRCh38, 1-based): chrX:123,886,092, G>A. VCF-style: chrX-123886092-G-A. GRCh37 (hg19) VCF-style: chrX-123019942-G-A.
Other names: c.430G>A, p.Gly144Arg (NM_001204401.2, NM_001378590.1, NM_001378591.1 and 1 more transcripts); short protein forms G144R.
Identifiers: ClinVar variation 4740554 (VCV004740554.1).

ClinVar aggregate classification (germline): Uncertain significance (1 of 4 stars; one submission).

Conditions:
X-linked lymphoproliferative disease due to XIAP deficiency. Also called: XIAP-Related Lymphoproliferative Disease, X-Linked; XIAP DEFICIENCY. Identifiers: Orphanet 2442, Orphanet 538934, MedGen C1845076, MONDO:0010385, OMIM 300635.

Submission:

Labcorp Genetics (formerly Invitae), Labcorp
Classification: Uncertain significance for X-linked lymphoproliferative disease due to XIAP deficiency. Last evaluated: 2025-07-24. Review status: criteria provided, single submitter. Criteria: Invitae Variant Classification Sherloc (09022015). Collection method: clinical testing. Allele origin: germline.
Comment: This sequence change replaces glycine, which is neutral and non-polar, with arginine, which is basic and polar, at codon 144 of the XIAP protein (p.Gly144Arg). This variant is not present in population databases (gnomAD no frequency). This variant has not been reported in the literature in individuals affected with XIAP-related conditions. Invitae Evidence Modeling of protein sequence and biophysical properties (such as structural, functional, and spatial information, amino acid conservation, physicochemical variation, residue mobility, and thermodynamic stability) indicates that this missense variant is not expected to disrupt XIAP protein function with a negative predictive value of 80%. In summary, the available evidence is currently insufficient to determine the role of this variant in disease. Therefore, it has been classified as a Variant of Uncertain Significance.